The following is an entry in ClinVar:

ClinVar aggregate classification (germline): Likely pathogenic (1 of 4 stars; one submission).

Submission:

Baylor Genetics
Classification: Likely pathogenic. Last evaluated: 2018-11-01. Review status: criteria provided, single submitter. Criteria: ACMG CNV Guidelines, 2011. Collection method: clinical testing. Allele origin: germline. Observed: 1 variant allele.
Comment: Deletions involving this region have been previously reported in patients with hypotonia, developmental delay, intellectual disability and dysmorphic features [PMID: 27633903, 21326286]

GRCh37/hg19 18p11.32(chr18:13034-547239)

Genes: COLEC12 (collectin subfamily member 12; minus strand), THOC1 (THO complex 1; minus strand), USP14 (ubiquitin specific peptidase 14; plus strand). Cytogenetic location: 18p11.32.
Variant type: copy number loss.
Identifiers: ClinVar variation 625805 (VCV000625805.1).